The following is an entry in ClinVar:

NM_004408.4(DNM1):c.2266C>A (p.Pro756Thr)

Genes: DNM1 (dynamin 1; plus strand), LOC130002698 (ATAC-STARR-seq lymphoblastoid silent region 20332; plus strand). Cytogenetic location: 9q34.11.
Variant type: single nucleotide variant.
Coding change: c.2266C>A on transcript NM_004408.4 (MANE Select); coding-DNA position 2266, C replaced by A.
Protein change: p.Pro756Thr; replaces proline 756 with threonine.
Molecular consequence: missense variant.
Genome position (GRCh38, 1-based): chr9:128,250,304, C>A. VCF-style: chr9-128250304-C-A. GRCh37 (hg19) VCF-style: chr9-131012583-C-A.
Other names: c.2266C>A, p.Pro756Thr (NM_001005336.3, NM_001288737.2, NM_001288738.2 and 2 more transcripts); short protein forms P756T.
Identifiers: ClinVar variation 3359142 (VCV003359142.2).

ClinVar aggregate classification (germline): Uncertain significance (1 of 4 stars; one submission).

Conditions:
Developmental and epileptic encephalopathy, 31B. Also called: Developmental and epileptic encephalopathy 31B, autosomal recessive. Identifiers: MedGen C5830459, MONDO:0957248, OMIM 620352.

Submission:

Institute of Human Genetics, University of Leipzig Medical Center
Classification: Uncertain significance for Developmental and epileptic encephalopathy, 31B. Last evaluated: 2024-10-01. Review status: criteria provided, single submitter. Criteria: ACMG Guidelines, 2015. Collection method: clinical testing. Allele origin: unknown. Inheritance: Autosomal recessive inheritance. Affected: yes.
Comment: Criteria applied: PM2_SUP, PP2, PP3